The following is an entry in ClinVar:

ClinVar aggregate classification (germline): Conflicting classifications of pathogenicity. Review status: criteria provided, conflicting classifications (1 of 4 stars). 4 submissions from 4 submitters: Likely pathogenic (2); Uncertain significance (2). Last evaluated 2025-11-20.

Conditions:
Bifunctional peroxisomal enzyme deficiency (DBIF). Also called: D-bifunctional protein deficiency; DBP DEFICIENCY; PBFE DEFICIENCY. Identifiers: Orphanet 300, MedGen C0342870, MONDO:0009855, OMIM 261515. Disease mechanism: loss of function.
Perrault syndrome. Also called: Gonadal dysgenesis with auditory dysfunction, autosomal recessive inheritance. Identifiers: Orphanet 2855, MedGen C0685838, MONDO:0017312.

Allele frequency attached by ClinVar (database versions not stated): gnomAD exomes 0.00001; gnomAD 0.00002; TOPMed 0.00003.
gnomAD v4.1: 23 of 1,494,072 alleles (0.0015%); highest among the groups gnomAD compares: East Asian, 0.0023%; no homozygotes.

Submissions (4):

Myriad Genetics, Inc.
Classification: Uncertain significance for Bifunctional peroxisomal enzyme deficiency. Last evaluated: 2025-11-20. Review status: criteria provided, single submitter. Criteria: Myriad Autosomal Dominant, Autosomal Recessive and X-Linked Classification Criteria (2023). Collection method: clinical testing. Allele origin: unknown.
Comment: NM_000414.3(HSD17B4):c.220G>A(D74N) is a missense variant classified as a variant of uncertain significance in the context of HSD17B4-related disorders. D74N has not been observed in cases with relevant disease. Relevant functional assessments of this variant are not available in the literature. D74N has been observed in referenced population frequency databases. In summary, there is insufficient evidence to classify NM_000414.3(HSD17B4):c.220G>A(D74N) as pathogenic or benign. Please note: this variant was assessed in the context of healthy population screening.

GeneDx
Classification: Likely pathogenic. Last evaluated: 2024-10-14. Review status: criteria provided, single submitter. Criteria: GeneDx Variant Classification Process June 2021. Collection method: clinical testing. Allele origin: germline. Affected: yes.
Comment: Alters the last nucleotide of the exon in a gene for which loss of function is a known mechanism of disease, and both splice predictors and evolutionary conservation support a deleterious effect, although in the absence of functional evidence the actual effect of this sequence change is unknown.; Not observed at significant frequency in large population cohorts (gnomAD); In silico analysis indicates that this missense variant does not alter protein structure/function; Has not been previously published as pathogenic or benign to our knowledge

Labcorp Genetics (formerly Invitae), Labcorp
Classification: Uncertain significance for Perrault syndrome; Bifunctional peroxisomal enzyme deficiency. Last evaluated: 2022-06-02. Review status: criteria provided, single submitter. Criteria: Invitae Variant Classification Sherloc (09022015). Collection method: clinical testing. Allele origin: germline.
Comment: This sequence change affects codon 74 of the HSD17B4 mRNA. It is a 'silent' change, meaning that it does not change the encoded amino acid sequence of the HSD17B4 protein. This variant also falls at the last nucleotide of exon 3, which is part of the consensus splice site for this exon. The frequency data for this variant in the population databases is considered unreliable, as metrics indicate poor data quality at this position in the gnomAD database. This variant has not been reported in the literature in individuals affected with HSD17B4-related conditions. Algorithms developed to predict the effect of missense changes on protein structure and function (SIFT, PolyPhen-2, Align-GVGD) all suggest that this variant is likely to be tolerated. Variants that disrupt the consensus splice site are a relatively common cause of aberrant splicing (PMID: 17576681, 9536098). Algorithms developed to predict the effect of sequence changes on RNA splicing suggest that this variant may disrupt the consensus splice site. In summary, the available evidence is currently insufficient to determine the role of this variant in disease. Therefore, it has been classified as a Variant of Uncertain Significance.

Baylor Genetics
Classification: Likely pathogenic for Bifunctional peroxisomal enzyme deficiency. Last evaluated: 2022-03-26. Review status: criteria provided, single submitter. Criteria: ACMG Guidelines, 2015. Collection method: clinical testing. Allele origin: unknown.

Literature cited by the submitters: PubMed 17576681 (cited by Labcorp Genetics (formerly Invitae), Labcorp); PubMed 9536098 (cited by Labcorp Genetics (formerly Invitae), Labcorp).

NM_000414.4(HSD17B4):c.220G>A (p.Asp74Asn)

Gene: HSD17B4 (hydroxysteroid 17-beta dehydrogenase 4; plus strand). Cytogenetic location: 5q23.1.
Variant type: single nucleotide variant.
Coding change: c.220G>A on transcript NM_000414.4 (MANE Select); coding-DNA position 220, G replaced by A.
Protein change: p.Asp74Asn; replaces aspartic acid 74 with asparagine.
Molecular consequence: missense variant. On other transcripts: 5 prime UTR variant (6), non-coding transcript variant (2).
Genome position (GRCh38, 1-based): chr5:119,474,015, G>A. VCF-style: chr5-119474015-G-A. GRCh37 (hg19) VCF-style: chr5-118809710-G-A.
Other names: c.295G>A, p.Asp99Asn (NM_001199291.3); c.166G>A, p.Asp56Asn (NM_001199292.2); c.148G>A, p.Asp50Asn (NM_001292027.2); c.-192G>A (NM_001292028.2, NM_001374501.1); c.220G>A, p.Asp74Asn (NM_001374497.1, NM_001374498.1); c.-61G>A (NM_001374499.1); c.-319G>A (NM_001374500.1); c.-197G>A (NM_001374502.1, NM_001374503.1); and 1 more; short protein forms D50N, D56N, D99N, D74N.
Identifiers: ClinVar variation 2058940 (VCV002058940.4), dbSNP rs1033649515, ClinGen allele CA125857713.